The following is an entry in ClinVar:

NM_000018.4(ACADVL):c.902G>A (p.Gly301Asp)

Gene: ACADVL (acyl-CoA dehydrogenase very long chain; plus strand). Cytogenetic location: 17p13.1.
Variant type: single nucleotide variant.
Coding change: c.902G>A on transcript NM_000018.4 (MANE Select); coding-DNA position 902, G replaced by A.
Protein change: p.Gly301Asp; replaces glycine 301 with aspartic acid.
Molecular consequence: missense variant.
Genome position (GRCh38, 1-based): chr17:7,222,690, G>A. VCF-style: chr17-7222690-G-A. GRCh37 (hg19) VCF-style: chr17-7126009-G-A.
Other names: c.836G>A, p.Gly279Asp (NM_001033859.3); c.971G>A, p.Gly324Asp (NM_001270447.2); c.674G>A, p.Gly225Asp (NM_001270448.2); short protein forms G225D, G301D, G324D, G279D.
Identifiers: ClinVar variation 2068640 (VCV002068640.4), dbSNP rs2508315272, ClinGen allele CA397723935.

ClinVar aggregate classification (germline): Likely pathogenic (1 of 4 stars; one submission).

Conditions:
Very long chain acyl-CoA dehydrogenase deficiency (ACADVLD). Also called: Very Long-Chain Acyl-Coenzyme A Dehydrogenase Deficiency; VLCAD Deficiency. Identifiers: Orphanet 26793, MedGen C3887523, MONDO:0008723, OMIM 201475.

Allele frequency attached by ClinVar (database versions not stated): gnomAD exomes below 0.00001.
gnomAD v4.1: 1 of 1,613,974 alleles (0.000062%); highest among the groups gnomAD compares: African/African-American, 0.0013%; no homozygotes.

Submission:

Labcorp Genetics (formerly Invitae), Labcorp
Classification: Likely pathogenic for Very long chain acyl-CoA dehydrogenase deficiency. Last evaluated: 2025-12-14. Review status: criteria provided, single submitter. Criteria: Invitae Variant Classification Sherloc (09022015). Collection method: clinical testing. Allele origin: germline.
Comment: This sequence change replaces glycine, which is neutral and non-polar, with aspartic acid, which is acidic and polar, at codon 301 of the ACADVL protein (p.Gly301Asp). This variant is not present in population databases (gnomAD no frequency). This missense change has been observed in individual(s) with clinical features of ACADVL-related conditions (internal data). ClinVar contains an entry for this variant (Variation ID: 2068640). Invitae Evidence Modeling of protein sequence and biophysical properties (such as structural, functional, and spatial information, amino acid conservation, physicochemical variation, residue mobility, and thermodynamic stability) indicates that this missense variant is expected to disrupt ACADVL protein function with a positive predictive value of 80%. In summary, the currently available evidence indicates that the variant is pathogenic, but additional data are needed to prove that conclusively. Therefore, this variant has been classified as Likely Pathogenic.